The following is an entry in ClinVar:

NM_001366385.1(CARD14):c.1965G>A (p.Lys655=)

Genes: SGSH (N-sulfoglucosamine sulfohydrolase; minus strand), CARD14 (caspase recruitment domain family member 14; plus strand). Cytogenetic location: 17q25.3.
Variant type: single nucleotide variant.
Coding change: c.1965G>A on transcript NM_001366385.1 (MANE Select); coding-DNA position 1965, G replaced by A.
Protein change: p.Lys655=; no amino-acid change (lysine 655 retained).
Molecular consequence: synonymous variant. On other transcripts: non-coding transcript variant (1).
Genome position (GRCh38, 1-based): chr17:80,201,857, G>A. VCF-style: chr17-80201857-G-A. GRCh37 (hg19) VCF-style: chr17-78175656-G-A.
Other names: c.1965G>A, p.Lys655= (NM_001257970.1, NM_024110.4).
Identifiers: ClinVar variation 2935707 (VCV002935707.3), dbSNP rs1003870135, ClinGen allele CA294879363.

ClinVar aggregate classification (germline): Uncertain significance (1 of 4 stars; one submission).

Conditions:
Psoriasis 2. Identifiers: MedGen C1864497, MONDO:0011269, OMIM 602723.
Pityriasis rubra pilaris (PRP). Also called: Pityriasis rubra pilaris--familial type. Identifiers: Orphanet 2897, MedGen C0032027, MONDO:0100017, OMIM 173200, MONDO:0008251.

Allele frequency attached by ClinVar (database versions not stated): gnomAD exomes below 0.00001; TOPMed below 0.00001; gnomAD 0.00001.
gnomAD v4.1: 3 of 1,613,422 alleles (0.00019%); highest among the groups gnomAD compares: Non-Finnish European, 0.00025%; no homozygotes.

Submission:

Labcorp Genetics (formerly Invitae), Labcorp
Classification: Uncertain significance for Pityriasis rubra pilaris; Psoriasis 2. Last evaluated: 2023-10-13. Review status: criteria provided, single submitter. Criteria: Invitae Variant Classification Sherloc (09022015). Collection method: clinical testing. Allele origin: germline.
Comment: This sequence change affects codon 655 of the CARD14 mRNA. It is a 'silent' change, meaning that it does not change the encoded amino acid sequence of the CARD14 protein. This variant is present in population databases (no rsID available, gnomAD 0.0009%). This variant has not been reported in the literature in individuals affected with CARD14-related conditions. Algorithms developed to predict the effect of sequence changes on RNA splicing suggest that this variant may disrupt the consensus splice site. In summary, the available evidence is currently insufficient to determine the role of this variant in disease. Therefore, it has been classified as a Variant of Uncertain Significance.